The following is an entry in ClinVar:

ClinVar aggregate classification (germline): Likely pathogenic (1 of 4 stars; one submission).

Conditions:
TP63-Related Spectrum Disorders.

Submission:

Labcorp Genetics (formerly Invitae), Labcorp
Classification: Likely pathogenic. Last evaluated: 2021-03-08. Review status: criteria provided, single submitter. Criteria: Invitae Variant Classification Sherloc (09022015). Collection method: clinical testing. Allele origin: germline.
Comment: This sequence change creates a premature translational stop signal (p.Trp658*) in the TP63 gene. While this is not anticipated to result in nonsense mediated decay, it is expected to disrupt the last 23 amino acid(s) of the TP63 protein. This variant is not present in population databases (ExAC no frequency). This variant has been observed in individual(s) with TP63-related disorders (PMID: Invitae). This variant disrupts the p.Trp658 amino acid residue in TP63. Other variant(s) that disrupt this residue have been observed in individuals with TP63-related conditions (PMID: 24163146), which suggests that this may be a clinically significant amino acid residue. In summary, the currently available evidence indicates that the variant is pathogenic, but additional data are needed to prove that conclusively. Therefore, this variant has been classified as Likely Pathogenic.

Literature cited by the submitters: PubMed 24163146.

NM_003722.5(TP63):c.1973G>A (p.Trp658Ter)

Gene: TP63 (tumor protein p63; plus strand). Cytogenetic location: 3q28.
Variant type: single nucleotide variant.
Coding change: c.1973G>A on transcript NM_003722.5 (MANE Select); coding-DNA position 1973, G replaced by A.
Protein change: p.Trp658Ter; replaces tryptophan 658 with a stop codon.
Molecular consequence: nonsense. On other transcripts: 3 prime UTR variant (6).
Genome position (GRCh38, 1-based): chr3:189,894,432, G>A. VCF-style: chr3-189894432-G-A. GRCh37 (hg19) VCF-style: chr3-189612221-G-A.
Other names: c.*211G>A (NM_001114978.2, NM_001114981.2); c.1691G>A, p.Trp564Ter (NM_001114980.2); c.*201G>A (NM_001329144.2, NM_001329145.2, NM_001329149.2 and 1 more transcripts); c.1436G>A, p.Trp479Ter (NM_001329146.2); c.1961G>A, p.Trp654Ter (NM_001329148.2); c.1967G>A, p.Trp656Ter (NM_001329964.2); short protein forms W658*, W654*, W564*, W479*, W656*.
Identifiers: ClinVar variation 1349518 (VCV001349518.7), dbSNP rs2108874622, ClinGen allele CA355751585.